The following is an entry in ClinVar:

ClinVar aggregate classification (germline): Uncertain significance. Review status: criteria provided, multiple submitters, no conflicts (2 of 4 stars). 2 submissions from 2 submitters: Uncertain significance (2). Last evaluated 2025-12-01.

Conditions:
Bloom syndrome (BLM). Also called: Bloom-Torre-Machacek syndrome. Identifiers: Orphanet 125, MedGen C0005859, MONDO:0008876, OMIM 210900.
Hereditary cancer-predisposing syndrome. Also called: Neoplastic Syndromes, Hereditary; Tumor predisposition; Hereditary Cancer Syndrome; Hereditary neoplastic syndrome. Identifiers: Orphanet 140162, MedGen C0027672, MeSH D009386, MONDO:0015356.

gnomAD v4.1: 12 of 1,612,290 alleles (0.00074%); highest among the groups gnomAD compares: Non-Finnish European, 0.00093%; no homozygotes.

Submissions (2):

Labcorp Genetics (formerly Invitae), Labcorp
Classification: Uncertain significance for Bloom syndrome. Last evaluated: 2025-12-01. Review status: criteria provided, single submitter. Criteria: Invitae Variant Classification Sherloc (09022015). Collection method: clinical testing. Allele origin: germline.
Comment: This sequence change replaces serine, which is neutral and polar, with threonine, which is neutral and polar, at codon 1121 of the BLM protein (p.Ser1121Thr). This variant is not present in population databases (gnomAD no frequency). This variant has not been reported in the literature in individuals affected with BLM-related conditions. ClinVar contains an entry for this variant (Variation ID: 648358). Invitae Evidence Modeling of protein sequence and biophysical properties (such as structural, functional, and spatial information, amino acid conservation, physicochemical variation, residue mobility, and thermodynamic stability) indicates that this missense variant is not expected to disrupt BLM protein function with a negative predictive value of 80%. In summary, the available evidence is currently insufficient to determine the role of this variant in disease. Therefore, it has been classified as a Variant of Uncertain Significance.

Ambry Genetics
Classification: Uncertain significance for Hereditary cancer-predisposing syndrome. Last evaluated: 2025-11-05. Review status: criteria provided, single submitter. Criteria: Ambry Variant Classification Scheme 2023. Collection method: clinical testing. Allele origin: germline.

NM_000057.4(BLM):c.3362G>C (p.Ser1121Thr)

Gene: BLM (BLM RecQ like helicase; plus strand). Cytogenetic location: 15q26.1.
Variant type: single nucleotide variant.
Coding change: c.3362G>C on transcript NM_000057.4 (MANE Select); coding-DNA position 3362, G replaced by C.
Protein change: p.Ser1121Thr; replaces serine 1121 with threonine.
Molecular consequence: missense variant. On other transcripts: intron variant (1).
Genome position (GRCh38, 1-based): chr15:90,803,524, G>C. VCF-style: chr15-90803524-G-C. GRCh37 (hg19) VCF-style: chr15-91346754-G-C.
Other names: c.3362G>C, p.Ser1121Thr (NM_001287246.2); c.2237G>C, p.Ser746Thr (NM_001287248.2); c.3358+5187G>C (NM_001287247.2); short protein forms S1121T, S746T.
Identifiers: ClinVar variation 648358 (VCV000648358.13), dbSNP rs758753168, ClinGen allele CA393847433.